The following is an entry in ClinVar:

NM_000492.4(CFTR):c.3902G>C (p.Arg1301Thr)

Gene: CFTR (CF transmembrane conductance regulator; plus strand). Cytogenetic location: 7q31.2.
Variant type: single nucleotide variant.
Coding change: c.3902G>C on transcript NM_000492.4 (MANE Select); coding-DNA position 3902, G replaced by C.
Protein change: p.Arg1301Thr; replaces arginine 1301 with threonine.
Molecular consequence: missense variant.
Genome position (GRCh38, 1-based): chr7:117,652,870, G>C. VCF-style: chr7-117652870-G-C. GRCh37 (hg19) VCF-style: chr7-117292924-G-C.
Other names: short protein forms R1301T.
Identifiers: ClinVar variation 4064655 (VCV004064655.2).

ClinVar aggregate classification (germline): Uncertain significance. Review status: criteria provided, single submitter (1 of 4 stars). 2 submissions from 2 submitters: Uncertain significance (1). 1 of the submissions does not count toward it. Last evaluated 2025-10-01.

Conditions:
Cystic fibrosis (CF). Also called: MUCOVISCIDOSIS. Identifiers: Orphanet 586, MedGen C0010674, MONDO:0009061, OMIM 219700. Disease mechanism: loss of function.
CFTR-related disorder (CFTR-RD). Also called: CFTR-related disorders; CFTR-related condition. Identifiers: MedGen C5924204, MONDO:7770004.

Submissions (2):

Ambry Genetics
Classification: Uncertain significance for Cystic fibrosis. Last evaluated: 2025-10-01. Review status: criteria provided, single submitter. Criteria: Ambry Variant Classification Scheme 2023. Collection method: clinical testing. Allele origin: germline.
Comment: The p.R1301T variant (also known as c.3902G>C), located in coding exon 24 of the CFTR gene, results from a G to C substitution at nucleotide position 3902. The arginine at codon 1301 is replaced by threonine, an amino acid with similar properties. This amino acid position is conserved. In addition, this alteration is predicted to be deleterious by in silico analysis. Based on the available evidence, the clinical significance of this variant remains unclear.

Natera, Inc.
Classification: Uncertain significance for CFTR-related disorders. Last evaluated: 2025-01-10. Review status: no assertion criteria provided. Collection method: clinical testing. Allele origin: germline. Not counted in ClinVar's aggregate classification.